The following is an entry in ClinVar:

ClinVar aggregate classification (germline): Uncertain significance (1 of 4 stars; one submission).

Conditions:
MHC class I deficiency. Identifiers: Orphanet 34592, MedGen C6024714, MONDO:0011476.

Submission:

Labcorp Genetics (formerly Invitae), Labcorp
Classification: Uncertain significance for MHC class I deficiency 1. Last evaluated: 2025-05-11. Review status: criteria provided, single submitter. Criteria: Invitae Variant Classification Sherloc (09022015). Collection method: clinical testing. Allele origin: germline.
Comment: This sequence change creates a premature translational stop signal (p.Thr188Profs*17) in the TAPBP gene. It is expected to result in an absent or disrupted protein product. However, the current clinical and genetic evidence is not sufficient to establish whether loss-of-function variants in TAPBP cause disease. The frequency data for this variant in the population databases is considered unreliable, as metrics indicate poor data quality at this position in the gnomAD database. This variant has not been reported in the literature in individuals affected with TAPBP-related conditions. ClinVar contains an entry for this variant (Variation ID: 3605478). In summary, the available evidence is currently insufficient to determine the role of this variant in disease. Therefore, it has been classified as a Variant of Uncertain Significance.

NM_003190.5(TAPBP):c.561del (p.Thr188fs)

Gene: TAPBP (TAP binding protein; minus strand). Cytogenetic location: 6p21.32.
Variant type: Deletion.
Coding change: c.561del on transcript NM_003190.5 (MANE Select); coding-DNA position 561, one base deleted (C; older notation c.561delC).
Protein change: p.Thr188fs; shifts the reading frame from threonine 188.
Molecular consequence: frameshift variant.
Genome position (GRCh38, 1-based): chr6:33,305,296, G deleted on the plus strand (C on the coding strand, the reverse complement: TAPBP is on the minus strand); the first of 6 consecutive G bases (chr6:33,305,296-33,305,301); deleting any one gives the same sequence. VCF-style (leftmost placement, unchanged base first): chr6-33305295-TG-T. GRCh37 (hg19) VCF-style: chr6-33273072-TG-T.
Other names: c.561del, p.Thr188fs (NM_001410875.1, NM_172208.3); c.300del, p.Thr101fs (NM_172209.3); short protein forms T101fs, T188fs.
Identifiers: ClinVar variation 3605478 (VCV003605478.2).